The following is an entry in ClinVar:

NM_001287.6(CLCN7):c.270G>A (p.Leu90=)

Gene: CLCN7 (Cl-/H+ antiporter 7; minus strand). Cytogenetic location: 16p13.3.
Variant type: single nucleotide variant.
Coding change: c.270G>A on transcript NM_001287.6 (MANE Select); coding-DNA position 270, G replaced by A.
Protein change: p.Leu90=; no amino-acid change (leucine 90 retained).
Molecular consequence: synonymous variant.
Genome position (GRCh38, 1-based): chr16:1,461,618, C>T on the plus strand (G>A on the coding strand, the complement: CLCN7 is on the minus strand). VCF-style: chr16-1461618-C-T. GRCh37 (hg19) VCF-style: chr16-1511619-C-T.
Other names: c.198G>A, p.Leu66= (NM_001114331.3); c.270G>A (NM_001287.5).
Identifiers: ClinVar variation 2999660 (VCV002999660.6), dbSNP rs2505848008, ClinGen allele CA492924606.
Genomic context (GRCh38, chr16:1,461,618, plus strand): 5'-GGCAGAGGCCGGGTCTCAGGGTCAGGGGGACAGAAGGACGCCCACCTCATACTTGAGGGA[C>T]AGGAGCTTCTCGTTGTGTGGGATCTCCTTGGGGAAGGGATGTGGAGGGTCCATATCCTGT-3'
Protein context (NP_001278.1, residues 80-100): PKEIPHNEKL[Leu90=]SLKYESLDYD

ClinVar aggregate classification (germline): Likely benign. Review status: criteria provided, multiple submitters, no conflicts (2 of 4 stars). 3 submissions from 3 submitters: Likely benign (2). 1 of the submissions does not count toward it. Last evaluated 2024-08-06.

Conditions:
CLCN7-related disorder. Also called: CLCN7-related condition.

Submissions (3):

Blueprint Genetics
Classification: Likely benign. Last evaluated: 2024-08-06. Review status: criteria provided, single submitter. Criteria: ACMG Guidelines, 2015. Collection method: clinical testing. Allele origin: germline.

Labcorp Genetics (formerly Invitae), Labcorp
Classification: Likely benign. Last evaluated: 2024-01-06. Review status: criteria provided, single submitter. Criteria: Invitae Variant Classification Sherloc (09022015). Collection method: clinical testing. Allele origin: germline.

PreventionGenetics, part of Exact Sciences
Classification: Likely benign for CLCN7-related condition. Last evaluated: 2019-06-10. Review status: no assertion criteria provided. Collection method: clinical testing. Allele origin: germline. Not counted in ClinVar's aggregate classification.
Comment: This variant is classified as likely benign based on ACMG/AMP sequence variant interpretation guidelines (Richards et al. 2015 PMID: 25741868, with internal and published modifications).